The following is an entry in ClinVar:

NM_000173.7(GP1BA):c.501G>A (p.Glu167=)

Gene: GP1BA (glycoprotein Ib platelet subunit alpha; plus strand). Cytogenetic location: 17p13.2.
Variant type: single nucleotide variant.
Coding change: c.501G>A on transcript NM_000173.7 (MANE Select); coding-DNA position 501, G replaced by A.
Protein change: p.Glu167=; no amino-acid change (glutamic acid 167 retained).
Molecular consequence: synonymous variant.
Genome position (GRCh38, 1-based): chr17:4,933,105, G>A. VCF-style: chr17-4933105-G-A. GRCh37 (hg19) VCF-style: chr17-4836400-G-A.
Identifiers: ClinVar variation 3030879 (VCV003030879.2), dbSNP rs1396840938, ClinGen allele CA497677491.

ClinVar aggregate classification (germline): Likely benign (0 of 4 stars; one submission).

Conditions:
GP1BA-related disorder. Also called: GP1BA-related condition.

Allele frequency attached by ClinVar (database versions not stated): TOPMed below 0.00001; gnomAD 0.00001.
gnomAD v4.1: 1 of 1,613,834 alleles (0.000062%); highest among the groups gnomAD compares: Non-Finnish European, 0.000085%; no homozygotes.

Submission:

PreventionGenetics, part of Exact Sciences
Classification: Likely benign for GP1BA-related condition. Last evaluated: 2022-09-07. Review status: no assertion criteria provided. Collection method: clinical testing. Allele origin: germline.
Comment: This variant is classified as likely benign based on ACMG/AMP sequence variant interpretation guidelines (Richards et al. 2015 PMID: 25741868, with internal and published modifications).